The following is an entry in ClinVar:

NM_006005.3(WFS1):c.2100G>C (p.Trp700Cys)

Gene: WFS1 (wolframin ER transmembrane glycoprotein; plus strand). Cytogenetic location: 4p16.1.
Variant type: single nucleotide variant.
Coding change: c.2100G>C on transcript NM_006005.3 (MANE Select); coding-DNA position 2100, G replaced by C.
Protein change: p.Trp700Cys; replaces tryptophan 700 with cysteine.
Molecular consequence: missense variant.
Genome position (GRCh38, 1-based): chr4:6,301,895, G>C. VCF-style: chr4-6301895-G-C. GRCh37 (hg19) VCF-style: chr4-6303622-G-C.
Other names: c.2100G>C, p.Trp700Cys (NM_001145853.1); short protein forms W700C.
Identifiers: ClinVar variation 3011532 (VCV003011532.3), dbSNP rs2474195922, ClinGen allele CA356177704.

ClinVar aggregate classification (germline): Pathogenic (1 of 4 stars; one submission).

Submission:

Labcorp Genetics (formerly Invitae), Labcorp
Classification: Pathogenic. Last evaluated: 2024-10-07. Review status: criteria provided, single submitter. Criteria: Invitae Variant Classification Sherloc (09022015). Collection method: clinical testing. Allele origin: germline.
Comment: This sequence change replaces tryptophan, which is neutral and slightly polar, with cysteine, which is neutral and slightly polar, at codon 700 of the WFS1 protein (p.Trp700Cys). This variant is not present in population databases (gnomAD no frequency). This missense change has been observed in individual(s) with clinical features of autosomal recessive Wolfram syndrome (PMID: 10521293, 15277431, 35641312, 36098976). Invitae Evidence Modeling of protein sequence and biophysical properties (such as structural, functional, and spatial information, amino acid conservation, physicochemical variation, residue mobility, and thermodynamic stability) indicates that this missense variant is expected to disrupt WFS1 protein function with a positive predictive value of 95%. For these reasons, this variant has been classified as Pathogenic.

Literature cited by the submitters: PubMed 10521293; PubMed 15277431; PubMed 35641312; PubMed 36098976.